The following is an entry in ClinVar:

ClinVar aggregate classification (germline): Conflicting classifications of pathogenicity. Review status: criteria provided, conflicting classifications (1 of 4 stars). 7 submissions from 7 submitters: Uncertain significance (1); Benign (2); Likely benign (4). Last evaluated 2026-01-26.

Conditions:
Hereditary cancer-predisposing syndrome. Also called: Tumor predisposition; Hereditary Cancer Syndrome; Hereditary neoplastic syndrome; Neoplastic Syndromes, Hereditary. Identifiers: Orphanet 140162, MedGen C0027672, MeSH D009386, MONDO:0015356.
Tuberous sclerosis syndrome (TSC). Also called: Tuberous Sclerosis Complex; Tuberous sclerosis. Identifiers: Orphanet 805, MedGen C0041341, MONDO:0001734.
Tuberous sclerosis 2 (TSC2). Identifiers: Orphanet 805, MedGen C1860707, MONDO:0013199, OMIM 613254.

Allele frequency attached by ClinVar (database versions not stated): gnomAD exomes below 0.00001; gnomAD 0.00001; TOPMed 0.00001.
gnomAD v4.1: 3 of 1,612,680 alleles (0.00019%); highest among the groups gnomAD compares: East Asian, 0.0067%; no homozygotes.

Submissions (7):

Labcorp Genetics (formerly Invitae), Labcorp
Classification: Benign for Tuberous sclerosis 2. Last evaluated: 2026-01-26. Review status: criteria provided, single submitter. Criteria: Invitae Variant Classification Sherloc (09022015). Collection method: clinical testing. Allele origin: germline.

Myriad Genetics, Inc.
Classification: Benign for Tuberous sclerosis 2. Last evaluated: 2025-05-30. Review status: criteria provided, single submitter. Criteria: Myriad Autosomal Dominant, Autosomal Recessive and X-Linked Classification Criteria (2023). Collection method: clinical testing. Allele origin: unknown.
Comment: This variant is considered benign. This variant is a silent/synonymous amino acid change and it is not expected to impact splicing.

All of Us Research Program, National Institutes of Health
Classification: Likely benign for Tuberous sclerosis syndrome. Last evaluated: 2023-10-06. Review status: criteria provided, single submitter. Criteria: ACMG Guidelines, 2015. Collection method: clinical testing. Allele origin: germline. Inheritance: Autosomal dominant inheritance. Observed: 3 variant alleles, 3 heterozygotes.
Comment: This study involves interpretation of variants in research participants for the purpose of population health screening. Participant phenotype was not available at the time of variant classification. Additional details can be found in publication PMID: 35346344, PMCID: PMC8962531

Genome-Nilou Lab
Classification: Likely benign for Tuberous sclerosis 2. Last evaluated: 2021-11-07. Review status: criteria provided, single submitter. Criteria: ACMG Guidelines, 2015. Collection method: clinical testing. Allele origin: germline. Affected: no.

GeneDx
Classification: Likely benign. Last evaluated: 2020-12-17. Review status: criteria provided, single submitter. Criteria: GeneDx Variant Classification Process June 2021. Collection method: clinical testing. Allele origin: germline. Affected: yes.

Illumina Laboratory Services, Illumina
Classification: Uncertain significance for Tuberous sclerosis syndrome. Last evaluated: 2018-01-13. Review status: criteria provided, single submitter. Criteria: ICSL Variant Classification Criteria 13 December 2019. Collection method: clinical testing. Allele origin: germline.

Ambry Genetics
Classification: Likely benign for Hereditary cancer-predisposing syndrome. Last evaluated: 2014-11-03. Review status: criteria provided, single submitter. Criteria: Ambry Variant Classification Scheme 2023. Collection method: clinical testing. Allele origin: germline.

NM_000548.5(TSC2):c.3777C>T (p.Ser1259=)

Gene: TSC2 (TSC complex subunit 2; plus strand). Cytogenetic location: 16p13.3.
Variant type: single nucleotide variant.
Coding change: c.3777C>T on transcript NM_000548.5 (MANE Select); coding-DNA position 3777, C replaced by T.
Protein change: p.Ser1259=; no amino-acid change (serine 1259 retained).
Molecular consequence: synonymous variant.
Genome position (GRCh38, 1-based): chr16:2,081,761, C>T. VCF-style: chr16-2081761-C-T. GRCh37 (hg19) VCF-style: chr16-2131762-C-T.
Other names: c.3645C>T, p.Ser1215= (NM_001077183.3, NM_001370404.1); c.3777C>T, p.Ser1259= (NM_001114382.3); c.3537C>T, p.Ser1179= (NM_001318827.2); c.3501C>T, p.Ser1167= (NM_001318829.2); c.3045C>T, p.Ser1015= (NM_001318831.2); c.3678C>T, p.Ser1226= (NM_001318832.2); c.3648C>T, p.Ser1216= (NM_001363528.2, NM_001370405.1, NM_021055.3).
Identifiers: ClinVar variation 185446 (VCV000185446.22), dbSNP rs786202178, ClinGen allele CA019542.